The following is an entry in ClinVar:

ClinVar aggregate classification (germline): Uncertain significance (1 of 4 stars; one submission).

Conditions:
Spondyloenchondrodysplasia with immune dysregulation (SPENCDI). Also called: COMBINED IMMUNODEFICIENCY WITH AUTOIMMUNITY AND SPONDYLOMETAPHYSEAL DYSPLASIA; ROIFMAN IMMUNOSKELETAL SYNDROME; SPONDYLOENCHONDRODYSPLASIA WITH OR WITHOUT IMMUNE DYSREGULATION. Identifiers: Orphanet 1855, MedGen C1842763, MONDO:0011939, OMIM 607944.

Submission:

Labcorp Genetics (formerly Invitae), Labcorp
Classification: Uncertain significance for Spondyloenchondrodysplasia with immune dysregulation. Last evaluated: 2025-03-12. Review status: criteria provided, single submitter. Criteria: Invitae Variant Classification Sherloc (09022015). Collection method: clinical testing. Allele origin: germline.
Comment: This sequence change replaces arginine, which is basic and polar, with proline, which is neutral and non-polar, at codon 269 of the ACP5 protein (p.Arg269Pro). This variant is present in population databases (no rsID available, gnomAD 0.01%). This variant has not been reported in the literature in individuals affected with ACP5-related conditions. Invitae Evidence Modeling of protein sequence and biophysical properties (such as structural, functional, and spatial information, amino acid conservation, physicochemical variation, residue mobility, and thermodynamic stability) indicates that this missense variant is not expected to disrupt ACP5 protein function with a negative predictive value of 95%. In summary, the available evidence is currently insufficient to determine the role of this variant in disease. Therefore, it has been classified as a Variant of Uncertain Significance.

NM_001611.5(ACP5):c.806G>C (p.Arg269Pro)

Gene: ACP5 (acid phosphatase 5, tartrate resistant; minus strand). Cytogenetic location: 19p13.2.
Variant type: single nucleotide variant.
Coding change: c.806G>C on transcript NM_001611.5 (MANE Select); coding-DNA position 806, G replaced by C.
Protein change: p.Arg269Pro; replaces arginine 269 with proline.
Molecular consequence: missense variant.
Genome position (GRCh38, 1-based): chr19:11,575,182, C>G on the plus strand (G>C on the coding strand, the complement: ACP5 is on the minus strand). VCF-style: chr19-11575182-C-G. GRCh37 (hg19) VCF-style: chr19-11685997-C-G.
Other names: c.806G>C, p.Arg269Pro (NM_001111034.3, NM_001111035.3, NM_001111036.3 and 5 more transcripts); short protein forms R269P.
Identifiers: ClinVar variation 4811050 (VCV004811050.1).
Genomic context (GRCh38, chr19:11,575,182, plus strand): 5'-AGTGAGTCTTCAGTCCCATAGTGGAAGCGCAGATAGCCGTTGGGGACCTTGCGCTGGTGC[C>G]GCTTTGAGGGGTCCATGAAATTCCCAGCCCCACTCAGCACGTAGCCCACGCCATTCTCAT-3'
Protein context (NP_001602.1, residues 259-279): GAGNFMDPSK[Arg269Pro]HQRKVPNGYL